The following is an entry in ClinVar:

ClinVar aggregate classification (germline): Uncertain significance (1 of 4 stars; one submission).

Conditions:
Primary familial hypertrophic cardiomyopathy (HCM). Identifiers: Orphanet 99739, MedGen C0949658, MeSH D024741, MONDO:0024573. Inheritance: Various modes of inheritance.
Dilated cardiomyopathy 1AA (CMD1AA). Also called: CARDIOMYOPATHY, DILATED, 1AA, WITH OR WITHOUT LEFT VENTRICULAR NONCOMPACTION; CARDIOMYOPATHY, FAMILIAL HYPERTROPHIC, 23, WITH OR WITHOUT LEFT VENTRICULAR NONCOMPACTION; Cardiomyopathy, dilated, 1AA, with or without LVNC. Identifiers: Orphanet 154, MedGen C2677338, MONDO:0012808, OMIM 612158.

Submission:

Labcorp Genetics (formerly Invitae), Labcorp
Classification: Uncertain significance for Primary familial hypertrophic cardiomyopathy; Dilated cardiomyopathy 1AA. Last evaluated: 2023-08-28. Review status: criteria provided, single submitter. Criteria: Invitae Variant Classification Sherloc (09022015). Collection method: clinical testing. Allele origin: germline.
Comment: In summary, the available evidence is currently insufficient to determine the role of this variant in disease. Therefore, it has been classified as a Variant of Uncertain Significance. Advanced modeling of protein sequence and biophysical properties (such as structural, functional, and spatial information, amino acid conservation, physicochemical variation, residue mobility, and thermodynamic stability) performed at Invitae indicates that this missense variant is expected to disrupt ACTN2 protein function. This variant has not been reported in the literature in individuals affected with ACTN2-related conditions. This variant is not present in population databases (gnomAD no frequency). This sequence change replaces glutamic acid, which is acidic and polar, with lysine, which is basic and polar, at codon 400 of the ACTN2 protein (p.Glu400Lys).

NM_001103.4(ACTN2):c.1198G>A (p.Glu400Lys)

Gene: ACTN2 (actinin alpha 2; plus strand). Cytogenetic location: 1q43.
Variant type: single nucleotide variant.
Coding change: c.1198G>A on transcript NM_001103.4 (MANE Select); coding-DNA position 1198, G replaced by A.
Protein change: p.Glu400Lys; replaces glutamic acid 400 with lysine.
Molecular consequence: missense variant. On other transcripts: non-coding transcript variant (1).
Genome position (GRCh38, 1-based): chr1:236,742,986, G>A. VCF-style: chr1-236742986-G-A. GRCh37 (hg19) VCF-style: chr1-236906286-G-A.
Other names: c.1198G>A, p.Glu400Lys (NM_001278343.2); c.574G>A, p.Glu192Lys (NM_001278344.2); c.448G>A, p.Glu150Lys (NM_001412150.1); short protein forms E150K, E192K, E400K.
Identifiers: ClinVar variation 2951357 (VCV002951357.3), dbSNP rs2527609511, ClinGen allele CA345382321.